The following is an entry in ClinVar:

NM_002230.4(JUP):c.1283T>C (p.Leu428Pro)

Gene: JUP (junction plakoglobin; minus strand). Cytogenetic location: 17q21.2.
Variant type: single nucleotide variant.
Coding change: c.1283T>C on transcript NM_002230.4 (MANE Select); coding-DNA position 1283, T replaced by C.
Protein change: p.Leu428Pro; replaces leucine 428 with proline.
Molecular consequence: missense variant.
Genome position (GRCh38, 1-based): chr17:41,763,197, A>G on the plus strand (T>C on the coding strand, the complement: JUP is on the minus strand). VCF-style: chr17-41763197-A-G. GRCh37 (hg19) VCF-style: chr17-39919449-A-G.
Other names: c.1283T>C, p.Leu428Pro (NM_001352773.2, NM_001352774.2, NM_001352775.2 and 3 more transcripts); short protein forms L428P.
Identifiers: ClinVar variation 2924882 (VCV002924882.5), dbSNP rs1915175966, ClinGen allele CA399497487.

ClinVar aggregate classification (germline): Uncertain significance. Review status: criteria provided, multiple submitters, no conflicts (2 of 4 stars). 3 submissions from 3 submitters: Uncertain significance (3). Last evaluated 2025-03-20.

Conditions:
JUP-related disorder. Also called: JUP-related condition.
Naxos disease (NXD). Also called: CARDIOMYOPATHY, ARRHYTHMOGENIC RIGHT VENTRICULAR, WITH SKIN, HAIR, AND NAIL ABNORMALITIES; PALMOPLANTAR KERATODERMA WITH ARRHYTHMOGENIC RIGHT VENTRICULAR CARDIOMYOPATHY AND WOOLLY HAIR; WOOLLY HAIR, PALMOPLANTAR KERATODERMA, AND CARDIAC ABNORMALITIES; KERATOSIS PALMOPLANTARIS WITH ARRHYTHMOGENIC CARDIOMYOPATHY; MAL DE NAXOS. Identifiers: Orphanet 34217, MedGen C1832600, MONDO:0011017, OMIM 601214.
Arrhythmogenic right ventricular dysplasia 12. Also called: ARRHYTHMOGENIC RIGHT VENTRICULAR DYSPLASIA, FAMILIAL, 12. Identifiers: MedGen C1969081, MONDO:0012684, OMIM 611528.

Allele frequency attached by ClinVar (database versions not stated): TOPMed below 0.00001.

Submissions (3):

PreventionGenetics, part of Exact Sciences
Classification: Uncertain significance for JUP-related condition. Last evaluated: 2025-03-20. Review status: criteria provided, single submitter. Criteria: ACMG Guidelines, 2015. Collection method: clinical testing. Allele origin: germline.
Comment: The JUP c.1283T>C variant is predicted to result in the amino acid substitution p.Leu428Pro. To our knowledge, this variant has not been reported in the literature or in a large population database (gnomAD), indicating this variant is rare. At this time, the clinical significance of this variant is uncertain due to the absence of conclusive functional and genetic evidence.

Labcorp Genetics (formerly Invitae), Labcorp
Classification: Uncertain significance for Arrhythmogenic right ventricular dysplasia 12; Naxos disease. Last evaluated: 2023-11-13. Review status: criteria provided, single submitter. Criteria: Invitae Variant Classification Sherloc (09022015). Collection method: clinical testing. Allele origin: germline.
Comment: This sequence change replaces leucine, which is neutral and non-polar, with proline, which is neutral and non-polar, at codon 428 of the JUP protein (p.Leu428Pro). This variant is not present in population databases (gnomAD no frequency). This variant has not been reported in the literature in individuals affected with JUP-related conditions. An algorithm developed to predict the effect of missense changes on protein structure and function (PolyPhen-2) suggests that this variant is likely to be disruptive. In summary, the available evidence is currently insufficient to determine the role of this variant in disease. Therefore, it has been classified as a Variant of Uncertain Significance.

Blueprint Genetics
Classification: Uncertain significance. Last evaluated: 2023-03-29. Review status: criteria provided, single submitter. Criteria: ACMG Guidelines, 2015. Collection method: clinical testing. Allele origin: germline.